The following is an entry in ClinVar:

NM_001048166.1(STIL):c.703dup (p.Tyr235fs)

Gene: STIL (STIL centriolar assembly protein; minus strand). Cytogenetic location: 1p33.
Variant type: Duplication.
Coding change: c.703dup on transcript NM_001048166.1 (MANE Select); coding-DNA position 703, one base duplicated (T; older notation c.703dupT).
Protein change: p.Tyr235fs; shifts the reading frame from tyrosine 235.
Molecular consequence: frameshift variant.
Genome position (GRCh38, 1-based): chr1:47,295,847, A duplicated on the plus strand (T on the coding strand, the reverse complement: STIL is on the minus strand). VCF-style (leftmost placement, unchanged base first): chr1-47295846-T-TA. GRCh37 (hg19) VCF-style: chr1-47761518-T-TA.
Other names: c.703dup, p.Tyr235fs (NM_001282936.1, NM_001282937.1, NM_003035.2); c.562dup, p.Tyr188fs (NM_001282938.1, NM_001282939.1); c.703dupT (NM_003035.2); short protein forms Y188fs, Y235fs.
Identifiers: ClinVar variation 450838 (VCV000450838.2), dbSNP rs1553180057, ClinGen allele CA658656936.

ClinVar aggregate classification (germline): Pathogenic (1 of 4 stars; one submission).

Submission:

GeneDx
Classification: Pathogenic. Last evaluated: 2017-07-26. Review status: criteria provided, single submitter. Criteria: GeneDx Variant Classification (06012015). Collection method: clinical testing. Allele origin: germline. Affected: yes.
Comment: The c.703dupT pathogenic variant in the STIL gene causes a frameshift starting with codon Tyrosine 235, changes this amino acid to a Leucine residue and creates a premature Stop codon at position 6 of the new reading frame, denoted p.Tyr235LeufsX6. This pathogenic variant is predicted to cause loss of normal protein function either through protein truncation or nonsense-mediated mRNA decay. Additionally, the c.703dupT variant is not observed in large population cohorts (Lek et al., 2016; 1000 Genomes Consortium et al., 2015; Exome Variant Server). Although this pathogenic variant has not been previously reported to our knowledge, it is interpreted to be a pathogenic variant.